The following is an entry in ClinVar:

ClinVar aggregate classification (germline): Uncertain significance (1 of 4 stars; one submission).

Conditions:
Early-infantile DEE. Also called: Early infantile epileptic encephalopathy; Ohtahara syndrome; Early infantile epileptic encephalopathy with suppression bursts. Identifiers: Orphanet 1934, MedGen C0393706, MONDO:0800491.

Allele frequency attached by ClinVar (database versions not stated): gnomAD 0.00001.

Submission:

Labcorp Genetics (formerly Invitae), Labcorp
Classification: Uncertain significance for Early-infantile DEE. Last evaluated: 2026-01-05. Review status: criteria provided, single submitter. Criteria: Invitae Variant Classification Sherloc (09022015). Collection method: clinical testing. Allele origin: germline.
Comment: This sequence change falls in intron 20 of the SCN1A gene. It does not directly change the encoded amino acid sequence of the SCN1A protein. However, this sequence change falls within a region encompassing a cryptic exon in the SCN1A gene, in which variants have been shown to alter splicing (PMID: 30526861, 34107977). This variant is not present in population databases (gnomAD no frequency). This variant has not been reported in the literature in individuals affected with SCN1A-related conditions. ClinVar contains an entry for this variant (Variation ID: 1938751). Algorithms developed to predict the effect of sequence changes on RNA splicing suggest that this variant is not likely to affect RNA splicing. In summary, the available evidence is currently insufficient to determine the role of this variant in disease. Therefore, it has been classified as a Variant of Uncertain Significance.

Literature cited by the submitters: PubMed 30526861; PubMed 34107977.

NM_001165963.4(SCN1A):c.4002+2548G>T

Genes: SCN1A (sodium voltage-gated channel alpha subunit 1; minus strand), LOC102724058 (uncharacterized LOC102724058; plus strand). Cytogenetic location: 2q24.3.
Variant type: single nucleotide variant.
Coding change: c.4002+2548G>T on transcript NM_001165963.4 (MANE Select); 2548 bases into the intron after coding-DNA position 4002, G replaced by T.
Molecular consequence: intron variant.
Genome position (GRCh38, 1-based): chr2:166,007,171, C>A on the plus strand (G>T on the coding strand, the complement: SCN1A is on the minus strand). VCF-style: chr2-166007171-C-A. GRCh37 (hg19) VCF-style: chr2-166863681-C-A.
Other names: c.3969+2548G>T (NM_001353949.2, NM_001353950.2, NM_001353951.2 and 2 more transcripts); c.3918+2548G>T (NM_001353958.2, NM_001353957.2, NM_001165964.3); c.4002+2548G>T (NM_001202435.3, NM_001353948.2); c.3966+2548G>T (NM_001353955.2, NM_001353954.2); c.3915+2548G>T (NM_001353960.2); c.1560+2548G>T (NM_001353961.2).
Identifiers: ClinVar variation 1938751 (VCV001938751.5), dbSNP rs879466561, ClinGen allele CA59771532.
Genomic context (GRCh38, chr2:166,007,171, plus strand): 5'-AAATAATGTATTTTCCCTACTGTGGTGCAATAATAGTACCCTTCCCAATCCCTCCCTCAC[C>A]CCACTACACATAAGTCACAGTGCAAGGATTAAAGGTAGCAAAAGGGGTAATACAGTACCC-3'